The following is an entry in ClinVar:

ClinVar aggregate classification (germline): Conflicting classifications of pathogenicity. Review status: criteria provided, conflicting classifications (1 of 4 stars). 3 submissions from 3 submitters: Uncertain significance (1); Likely benign (2). Last evaluated 2025-06-29.

Conditions:
Congenital microvillous atrophy (DIAR2). Also called: Microvillus inclusion disease; MICROVILLUS ATROPHY, CONGENITAL; CONGENITAL FAMILIAL PROTRACTED DIARRHEA WITH ENTEROCYTE BRUSH-BORDER ABNORMALITIES; DAVIDSON DISEASE; Diarrhea 2 with microvillus atrophy, with or without cholestasis. Identifiers: Orphanet 2290, MedGen C0341306, MONDO:0009635, OMIM 251850.
MYO5B-related disorder. Also called: MYO5B-related condition.

Allele frequency attached by ClinVar (database versions not stated): ExAC 0.00001; gnomAD exomes 0.00001 and 0.00002; gnomAD 0.00005 and 0.00006; TOPMed 0.00005.
gnomAD v4.1: 24 of 1,614,056 alleles (0.0015%); highest among the groups gnomAD compares: Admixed American, 0.005%; no homozygotes.

Submissions (3):

PreventionGenetics, part of Exact Sciences
Classification: Likely benign for MYO5B-related condition. Last evaluated: 2025-06-29. Review status: criteria provided, single submitter. Criteria: ACMG Guidelines, 2015. Collection method: clinical testing. Allele origin: germline.
Comment: This variant is classified as likely benign based on ACMG/AMP sequence variant interpretation guidelines (Richards et al. 2015 PMID: 25741868, with internal and published modifications).

Labcorp Genetics (formerly Invitae), Labcorp
Classification: Likely benign. Last evaluated: 2023-11-02. Review status: criteria provided, single submitter. Criteria: Invitae Variant Classification Sherloc (09022015). Collection method: clinical testing. Allele origin: germline.

Illumina Laboratory Services, Illumina
Classification: Uncertain significance for Congenital microvillous atrophy. Last evaluated: 2018-01-13. Review status: criteria provided, single submitter. Criteria: ICSL Variant Classification Criteria 13 December 2019. Collection method: clinical testing. Allele origin: germline.

NM_001080467.3(MYO5B):c.1215G>A (p.Ala405=)

Gene: MYO5B (myosin VB; minus strand). Cytogenetic location: 18q21.1.
Variant type: single nucleotide variant.
Coding change: c.1215G>A on transcript NM_001080467.3 (MANE Select); coding-DNA position 1215, G replaced by A.
Protein change: p.Ala405=; no amino-acid change (alanine 405 retained).
Molecular consequence: synonymous variant.
Genome position (GRCh38, 1-based): chr18:49,974,457, C>T on the plus strand (G>A on the coding strand, the complement: MYO5B is on the minus strand). VCF-style: chr18-49974457-C-T. GRCh37 (hg19) VCF-style: chr18-47500827-C-T.
Identifiers: ClinVar variation 327068 (VCV000327068.14), dbSNP rs781209064, ClinGen allele CA8961606.